The following is an entry in ClinVar:

NM_003743.5(NCOA1):c.723A>C (p.Ser241=)

Gene: NCOA1 (nuclear receptor coactivator 1; plus strand). Cytogenetic location: 2p23.3.
Variant type: single nucleotide variant.
Coding change: c.723A>C on transcript NM_003743.5 (MANE Select); coding-DNA position 723, A replaced by C.
Protein change: p.Ser241=; no amino-acid change (serine 241 retained).
Molecular consequence: synonymous variant.
Genome position (GRCh38, 1-based): chr2:24,693,262, A>C. VCF-style: chr2-24693262-A-C. GRCh37 (hg19) VCF-style: chr2-24916131-A-C.
Other names: c.723A>C, p.Ser241= (NM_001362950.1, NM_001362952.1, NM_001362954.1 and 3 more transcripts).
Identifiers: ClinVar variation 4997157 (VCV004997157.1).
Genomic context (GRCh38, chr2:24,693,262, plus strand): 5'-AACCATTTTCTACTCTCTATCCTTCAATTTCCCCGTCTTGTTTTGGGCAGATTTCCAGTC[A>C]TGTCTGATTTGTATTGCACGGCGATTACCTCGGCCTCCAGCTATTACGGGTGTAGAATCC-3'
Protein context (NP_003734.3, residues 231-251): SIQEDGEDFQ[Ser241=]CLICIARRLP

ClinVar aggregate classification (germline): Likely benign (1 of 4 stars; one submission).

Conditions:
NCOA1-related disorder. Also called: NCOA1-related condition.

gnomAD v4.1: 3 of 1,613,956 alleles (0.00019%); highest among the groups gnomAD compares: African/African-American, 0.0013%; no homozygotes.

Submission:

PreventionGenetics, part of Exact Sciences
Classification: Likely benign for NCOA1-related condition. Last evaluated: 2025-04-23. Review status: criteria provided, single submitter. Criteria: ACMG Guidelines, 2015. Collection method: clinical testing. Allele origin: germline.
Comment: This variant is classified as likely benign based on ACMG/AMP sequence variant interpretation guidelines (Richards et al. 2015 PMID: 25741868, with internal and published modifications).